The following is an entry in ClinVar:

NM_000465.4(BARD1):c.625A>C (p.Lys209Gln)

Gene: BARD1 (BRCA1 associated RING domain 1; minus strand). Cytogenetic location: 2q35.
Variant type: single nucleotide variant.
Coding change: c.625A>C on transcript NM_000465.4 (MANE Select); coding-DNA position 625, A replaced by C.
Protein change: p.Lys209Gln; replaces lysine 209 with glutamine.
Molecular consequence: missense variant. On other transcripts: intron variant (3), non-coding transcript variant (2).
Genome position (GRCh38, 1-based): chr2:214,781,249, T>G on the plus strand (A>C on the coding strand, the complement: BARD1 is on the minus strand). VCF-style: chr2-214781249-T-G. GRCh37 (hg19) VCF-style: chr2-215645973-T-G.
Other names: c.568A>C, p.Lys190Gln (NM_001282543.2); c.364+11048A>C (NM_001282549.2); c.158+28163A>C (NM_001282548.2); c.215+15812A>C (NM_001282545.2); short protein forms K209Q, K190Q.
Identifiers: ClinVar variation 576999 (VCV000576999.9), dbSNP rs1559425519, ClinGen allele CA350456656.

ClinVar aggregate classification (germline): Uncertain significance (1 of 4 stars; one submission).

Conditions:
Familial cancer of breast. Also called: hereditary breast carcinoma; BREAST CANCER, FAMILIAL; Hereditary breast cancer. Identifiers: Orphanet 227535, MedGen C0346153, MONDO:0016419, OMIM 114480. Disease mechanism: loss of function.

Submission:

Labcorp Genetics (formerly Invitae), Labcorp
Classification: Uncertain significance for Familial cancer of breast. Last evaluated: 2025-12-20. Review status: criteria provided, single submitter. Criteria: Invitae Variant Classification Sherloc (09022015). Collection method: clinical testing. Allele origin: germline.
Comment: This sequence change replaces lysine, which is basic and polar, with glutamine, which is neutral and polar, at codon 209 of the BARD1 protein (p.Lys209Gln). This variant is not present in population databases (gnomAD no frequency). This variant has not been reported in the literature in individuals affected with BARD1-related conditions. ClinVar contains an entry for this variant (Variation ID: 576999). An algorithm developed to predict the effect of missense changes on protein structure and function (PolyPhen-2) suggests that this variant is likely to be disruptive. In summary, the available evidence is currently insufficient to determine the role of this variant in disease. Therefore, it has been classified as a Variant of Uncertain Significance.